The following is an entry in ClinVar:

ClinVar aggregate classification (germline): Uncertain significance (1 of 4 stars; one submission).

Submission:

Labcorp Genetics (formerly Invitae), Labcorp
Classification: Uncertain significance. Last evaluated: 2022-03-12. Review status: criteria provided, single submitter. Criteria: Invitae Variant Classification Sherloc (09022015). Collection method: clinical testing. Allele origin: germline.
Comment: In summary, the available evidence is currently insufficient to determine the role of this variant in disease. Therefore, it has been classified as a Variant of Uncertain Significance. Algorithms developed to predict the effect of sequence changes on RNA splicing suggest that this variant may create or strengthen a splice site. Algorithms developed to predict the effect of missense changes on protein structure and function are either unavailable or do not agree on the potential impact of this missense change (SIFT: "Deleterious"; PolyPhen-2: "Benign"; Align-GVGD: "Class C0"). This variant has not been reported in the literature in individuals affected with C2-related conditions. This variant is not present in population databases (gnomAD no frequency). This sequence change replaces methionine, which is neutral and non-polar, with arginine, which is basic and polar, at codon 136 of the C2 protein (p.Met136Arg).

NM_000063.6(C2):c.407T>G (p.Met136Arg)

Gene: C2 (complement C2; plus strand). Cytogenetic location: 6p21.33.
Variant type: single nucleotide variant.
Coding change: c.407T>G on transcript NM_000063.6 (MANE Select); coding-DNA position 407, T replaced by G.
Protein change: p.Met136Arg; replaces methionine 136 with arginine.
Molecular consequence: missense variant. On other transcripts: genic upstream transcript variant (2), intron variant (1).
Genome position (GRCh38, 1-based): chr6:31,928,882, T>G. VCF-style: chr6-31928882-T-G. GRCh37 (hg19) VCF-style: chr6-31896659-T-G.
Other names: c.320T>G, p.Met107Arg (NM_001282458.2); c.407T>G, p.Met136Arg (NM_001282459.2); c.-63-4728T>G (NM_001282457.2); c.74-4728T>G (NM_001178063.3); c.46+1084T>G (NM_001145903.3); short protein forms M107R, M136R.
Identifiers: ClinVar variation 2060126 (VCV002060126.4), dbSNP rs2482459849, ClinGen allele CA363491479.